The following is an entry in ClinVar:

NM_172362.3(KCNH1):c.2681T>G (p.Val894Gly)

Gene: KCNH1 (potassium voltage-gated channel subfamily H member 1; minus strand). Cytogenetic location: 1q32.2.
Variant type: single nucleotide variant.
Coding change: c.2681T>G on transcript NM_172362.3 (MANE Select); coding-DNA position 2681, T replaced by G.
Protein change: p.Val894Gly; replaces valine 894 with glycine.
Molecular consequence: missense variant.
Genome position (GRCh38, 1-based): chr1:210,683,570, A>C on the plus strand (T>G on the coding strand, the complement: KCNH1 is on the minus strand). VCF-style: chr1-210683570-A-C. GRCh37 (hg19) VCF-style: chr1-210856912-A-C.
Other names: c.2600T>G, p.Val867Gly (NM_002238.4); short protein forms V867G, V894G.
Identifiers: ClinVar variation 2076035 (VCV002076035.4), dbSNP rs767988240, ClinGen allele CA1379607.

ClinVar aggregate classification (germline): Uncertain significance (1 of 4 stars; one submission).

Allele frequency attached by ClinVar (database versions not stated): TOPMed 0.00002; gnomAD 0.00001; gnomAD exomes 0.00001; ExAC 0.00001.
gnomAD v4.1: 24 of 1,613,846 alleles (0.0015%); highest among the groups gnomAD compares: Non-Finnish European, 0.0019%; no homozygotes.

Submission:

Labcorp Genetics (formerly Invitae), Labcorp
Classification: Uncertain significance. Last evaluated: 2023-12-28. Review status: criteria provided, single submitter. Criteria: Invitae Variant Classification Sherloc (09022015). Collection method: clinical testing. Allele origin: germline.
Comment: This sequence change replaces valine, which is neutral and non-polar, with glycine, which is neutral and non-polar, at codon 894 of the KCNH1 protein (p.Val894Gly). This variant is present in population databases (rs767988240, gnomAD 0.01%). This variant has not been reported in the literature in individuals affected with KCNH1-related conditions. ClinVar contains an entry for this variant (Variation ID: 2076035). Advanced modeling of protein sequence and biophysical properties (such as structural, functional, and spatial information, amino acid conservation, physicochemical variation, residue mobility, and thermodynamic stability) performed at Invitae indicates that this missense variant is not expected to disrupt KCNH1 protein function with a negative predictive value of 95%. In summary, the available evidence is currently insufficient to determine the role of this variant in disease. Therefore, it has been classified as a Variant of Uncertain Significance.